The following is an entry in ClinVar:

NM_001164508.2(NEB):c.21052del (p.Asp7018fs)

Gene: NEB (nebulin; minus strand). Cytogenetic location: 2q23.3.
Variant type: Deletion.
Coding change: c.21052del on transcript NM_001164508.2 (MANE Select); coding-DNA position 21052, one base deleted (G; older notation c.21052delG).
Protein change: p.Asp7018fs; shifts the reading frame from aspartic acid 7018.
Molecular consequence: frameshift variant.
Genome position (GRCh38, 1-based): chr2:151,537,922, C deleted on the plus strand (G on the coding strand, the reverse complement: NEB is on the minus strand). VCF-style (leftmost placement, unchanged base first): chr2-151537921-TC-T. GRCh37 (hg19) VCF-style: chr2-152394435-TC-T.
Other names: c.21052del, p.Asp7018fs (NM_001164507.2, NM_001271208.2); c.15949del, p.Asp5317fs (NM_004543.5); short protein forms D5317fs, D7018fs.
Identifiers: ClinVar variation 658225 (VCV000658225.6), dbSNP rs1576695735, ClinGen allele CA915942814.

ClinVar aggregate classification (germline): Pathogenic (1 of 4 stars; one submission).

Conditions:
Nemaline myopathy 2 (NEM2). Also called: Nemaline myopathy 2, autosomal recessive. Identifiers: MedGen C1850569, MONDO:0009725, OMIM 256030.

Submission:

Labcorp Genetics (formerly Invitae), Labcorp
Classification: Pathogenic for Nemaline myopathy 2. Last evaluated: 2023-07-03. Review status: criteria provided, single submitter. Criteria: Invitae Variant Classification Sherloc (09022015). Collection method: clinical testing. Allele origin: germline.
Comment: This sequence change creates a premature translational stop signal (p.Asp7018Ilefs*18) in the NEB gene. It is expected to result in an absent or disrupted protein product. Loss-of-function variants in NEB are known to be pathogenic (PMID: 25205138). This variant is not present in population databases (gnomAD no frequency). This variant has not been reported in the literature in individuals affected with NEB-related conditions. ClinVar contains an entry for this variant (Variation ID: 658225). For these reasons, this variant has been classified as Pathogenic.

Literature cited by the submitters: PubMed 25205138.